The following is an entry in ClinVar:

NM_001165963.4(SCN1A):c.2705T>G (p.Phe902Cys)

Gene: SCN1A (sodium voltage-gated channel alpha subunit 1; minus strand). Cytogenetic location: 2q24.3.
Variant type: single nucleotide variant.
Coding change: c.2705T>G on transcript NM_001165963.4 (MANE Select); coding-DNA position 2705, T replaced by G.
Protein change: p.Phe902Cys; replaces phenylalanine 902 with cysteine.
Molecular consequence: missense variant. On other transcripts: non-coding transcript variant (1).
Genome position (GRCh38, 1-based): chr2:166,038,017, A>C on the plus strand (T>G on the coding strand, the complement: SCN1A is on the minus strand). VCF-style: chr2-166038017-A-C. GRCh37 (hg19) VCF-style: chr2-166894527-A-C.
Other names: c.2621T>G, p.Phe874Cys (NM_001165964.3, NM_001353957.2, NM_001353958.2); c.2705T>G, p.Phe902Cys (NM_001202435.3, NM_001353948.2); c.2672T>G, p.Phe891Cys (NM_001353949.2, NM_001353950.2, NM_001353951.2 and 2 more transcripts); c.2669T>G, p.Phe890Cys (NM_001353954.2, NM_001353955.2); c.2618T>G, p.Phe873Cys (NM_001353960.2); c.263T>G, p.Phe88Cys (NM_001353961.2); short protein forms F891C, F902C, F88C, F874C, F873C, F890C.
Identifiers: ClinVar variation 68595 (VCV000068595.3), dbSNP rs121918787, ClinGen allele CA285075.
Genomic context (GRCh38, chr2:166,038,017, plus strand): 5'-TTGCAGACACAATCTTTGTAGCTTTTACCAAAGAGCTGCATGCCGACCACGGCAAAAATG[A>C]AGACGATGATGGCCAAGACGAGGGTTAAATTTCCCAGAGCCCCCACGGAATTGCCGATGA-3'
Protein context (NP_001159435.1, residues 892-912): NLTLVLAIIV[Phe902Cys]IFAVVGMQLF

ClinVar aggregate classification (germline): not provided (0 of 4 stars; one submission).

Conditions:
Severe myoclonic epilepsy in infancy (DRVT). Also called: SEVERE MYOCLONIC EPILEPSY OF INFANCY; DEVELOPMENTAL AND EPILEPTIC ENCEPHALOPATHY 6A; Severe Myoclonic Epilepsy in Infancy (SMEI); Dravet syndrome; Epileptic encephalopathy, early infantile, 6 (Dravet syndrome). Identifiers: Orphanet 33069, MedGen C0751122, MONDO:0100135, OMIM 607208.

Submissions (2):

Channelopathy-Associated Epilepsy Research Center
No classification provided (evidence only). Condition: Severe myoclonic epilepsy in infancy. Review status: no classification provided. Collection method: literature only. Allele origin: not applicable. Functional consequence: Absence of peak current. Not counted in ClinVar's aggregate classification.
ClinVar note: "not provided" was previously submitted as the classification for the variant. However, the classification appeared to be based only on an observation of functional data so it was converted to no classification on 2025-07-30.

UniProtKB/Swiss-Prot
No classification provided. Condition: Severe myoclonic epilepsy in infancy. Review status: no classification provided. Collection method: not provided. Allele origin: not provided.

Literature cited by the submitters: PubMed 15263074 (cited by Channelopathy-Associated Epilepsy Research Center).